The following is an entry in ClinVar:

ClinVar aggregate classification (germline): Uncertain significance. Review status: criteria provided, multiple submitters, no conflicts (2 of 4 stars). 2 submissions from 2 submitters: Uncertain significance (2). Last evaluated 2024-09-21.

Conditions:
Dyskeratosis congenita. Identifiers: Orphanet 1775, MedGen C0265965, MONDO:0015780.

gnomAD v4.1: 2 of 1,613,824 alleles (0.00012%); highest among the groups gnomAD compares: Non-Finnish European, 0.000085%; no homozygotes.

Submissions (2):

Labcorp Genetics (formerly Invitae), Labcorp
Classification: Uncertain significance for Dyskeratosis congenita. Last evaluated: 2024-09-21. Review status: criteria provided, single submitter. Criteria: Invitae Variant Classification Sherloc (09022015). Collection method: clinical testing. Allele origin: germline.
Comment: This sequence change replaces proline, which is neutral and non-polar, with arginine, which is basic and polar, at codon 824 of the CTC1 protein (p.Pro824Arg). This variant is present in population databases (rs756203680, gnomAD 0.002%). This variant has not been reported in the literature in individuals affected with CTC1-related conditions. Invitae Evidence Modeling of protein sequence and biophysical properties (such as structural, functional, and spatial information, amino acid conservation, physicochemical variation, residue mobility, and thermodynamic stability) indicates that this missense variant is expected to disrupt CTC1 protein function with a positive predictive value of 80%. In summary, the available evidence is currently insufficient to determine the role of this variant in disease. Therefore, it has been classified as a Variant of Uncertain Significance.

Blueprint Genetics
Classification: Uncertain significance. Last evaluated: 2018-05-22. Review status: criteria provided, single submitter. Criteria: ACMG Guidelines, 2015. Collection method: clinical testing. Allele origin: germline.

NM_025099.6(CTC1):c.2471C>G (p.Pro824Arg)

Gene: CTC1 (CST telomere replication complex component 1; minus strand). Cytogenetic location: 17p13.1.
Variant type: single nucleotide variant.
Coding change: c.2471C>G on transcript NM_025099.6 (MANE Select); coding-DNA position 2471, C replaced by G.
Protein change: p.Pro824Arg; replaces proline 824 with arginine.
Molecular consequence: missense variant. On other transcripts: non-coding transcript variant (1).
Genome position (GRCh38, 1-based): chr17:8,231,730, G>C on the plus strand (C>G on the coding strand, the complement: CTC1 is on the minus strand). VCF-style: chr17-8231730-G-C. GRCh37 (hg19) VCF-style: chr17-8135048-G-C.
Other names: c.2471C>G, p.Pro824Arg (NM_001411067.1); short protein forms P824R.
Identifiers: ClinVar variation 3624623 (VCV003624623.3).